The following is an entry in ClinVar:

ClinVar aggregate classification (germline): Uncertain significance. Review status: criteria provided, multiple submitters, no conflicts (2 of 4 stars). 5 submissions from 5 submitters: Uncertain significance (5). Last evaluated 2025-08-04.

Conditions:
Inborn genetic diseases. Identifiers: MedGen C0950123, MeSH D030342.
Autosomal recessive limb-girdle muscular dystrophy type 2Q (LGMDR17). Also called: MUSCULAR DYSTROPHY, LIMB-GIRDLE, AUTOSOMAL RECESSIVE 17. Identifiers: Orphanet 254361, MedGen C3150989, MONDO:0013390, OMIM 613723.
Epidermolysis bullosa simplex 5B, with muscular dystrophy (EBS5B). Also called: EPIDERMOLYSIS BULLOSA SIMPLEX AND LIMB-GIRDLE MUSCULAR DYSTROPHY; Epidermolysis bullosa simplex with muscular dystrophy. Identifiers: Orphanet 257, MedGen C2931072, MONDO:0009181, OMIM 226670.
Epidermolysis bullosa simplex, Ogna type (EBS5A). Also called: Pidermolysis bullosa simplex 5A, Ogna type; EPIDERMOLYSIS BULLOSA SIMPLEX 5A, OGNA TYPE. Identifiers: Orphanet 79401, MedGen C0432317, MONDO:0007555, OMIM 131950.
Epidermolysis bullosa simplex 5C, with pyloric atresia (EBS5C). Also called: PLEC-Related Epidermolysis Bullosa with Pyloric Atresia; Epidermolysis bullosa simplex with pyloric atresia; PLEC1-Related Epidermolysis Bullosa with Pyloric Atresia. Identifiers: Orphanet 158684, MedGen C2677349, MONDO:0012807, OMIM 612138.
Epidermolysis bullosa simplex with nail dystrophy (EBS5D). Identifiers: MedGen C4225309, MONDO:0014661, OMIM 616487.

Allele frequency attached by ClinVar (database versions not stated): gnomAD 0.00004 and 0.00005; gnomAD exomes 0.00004; TOPMed 0.00004; ExAC 0.00013; 1000 Genomes Project 30x 0.00016; 1000 Genomes Project 0.00020.
gnomAD v4.1: 62 of 1,574,090 alleles (0.0039%); highest among the groups gnomAD compares: Non-Finnish European, 0.0047%; no homozygotes.

Submissions (5):

Ambry Genetics
Classification: Uncertain significance for Inborn genetic diseases. Last evaluated: 2025-08-04. Review status: criteria provided, single submitter. Criteria: Ambry Variant Classification Scheme 2023. Collection method: clinical testing. Allele origin: germline.

Revvity Omics, Revvity
Classification: Uncertain significance. Last evaluated: 2025-01-22. Review status: criteria provided, single submitter. Criteria: ACMG Guidelines, 2015. Collection method: clinical testing. Allele origin: germline.

Labcorp Genetics (formerly Invitae), Labcorp
Classification: Uncertain significance for Autosomal recessive limb-girdle muscular dystrophy type 2Q; Epidermolysis bullosa simplex, Ogna type; Epidermolysis bullosa simplex with nail dystrophy; Epidermolysis bullosa simplex 5C, with pyloric atresia; Epidermolysis bullosa simplex 5B, with muscular dystrophy. Last evaluated: 2023-02-03. Review status: criteria provided, single submitter. Criteria: Invitae Variant Classification Sherloc (09022015). Collection method: clinical testing. Allele origin: germline.
Comment: Advanced modeling of protein sequence and biophysical properties (such as structural, functional, and spatial information, amino acid conservation, physicochemical variation, residue mobility, and thermodynamic stability) has been performed at Invitae for this missense variant, however the output from this modeling did not meet the statistical confidence thresholds required to predict the impact of this variant on PLEC protein function. In summary, the available evidence is currently insufficient to determine the role of this variant in disease. Therefore, it has been classified as a Variant of Uncertain Significance. ClinVar contains an entry for this variant (Variation ID: 586341). This sequence change replaces arginine, which is basic and polar, with tryptophan, which is neutral and slightly polar, at codon 2607 of the PLEC protein (p.Arg2607Trp). This variant is present in population databases (rs531396914, gnomAD 0.007%). This variant has not been reported in the literature in individuals affected with PLEC-related conditions.

Mayo Clinic Laboratories, Mayo Clinic
Classification: Uncertain significance. Last evaluated: 2020-09-25. Review status: criteria provided, single submitter. Criteria: ACMG Guidelines, 2015. Collection method: clinical testing. Allele origin: germline. Observed: 1 variant allele.

Athena Diagnostics
Classification: Uncertain significance. Last evaluated: 2017-09-12. Review status: criteria provided, single submitter. Criteria: Athena Diagnostics Criteria. Collection method: clinical testing. Allele origin: germline.

NM_201384.3(PLEC):c.7738C>T (p.Arg2580Trp)

Gene: PLEC (plectin; minus strand). Cytogenetic location: 8q24.3.
Variant type: single nucleotide variant.
Coding change: c.7738C>T on transcript NM_201384.3 (MANE Select); coding-DNA position 7738, C replaced by T.
Protein change: p.Arg2580Trp; replaces arginine 2580 with tryptophan.
Molecular consequence: missense variant.
Genome position (GRCh38, 1-based): chr8:143,922,083, G>A on the plus strand (C>T on the coding strand, the complement: PLEC is on the minus strand). VCF-style: chr8-143922083-G-A. GRCh37 (hg19) VCF-style: chr8-144996251-G-A.
Other names: c.7819C>T, p.Arg2607Trp (NM_000445.5); c.7696C>T, p.Arg2566Trp (NM_201378.4); c.7672C>T, p.Arg2558Trp (NM_201379.3); c.8149C>T, p.Arg2717Trp (NM_201380.4); c.7642C>T, p.Arg2548Trp (NM_201381.3); c.7738C>T, p.Arg2580Trp (NM_201382.4); c.7750C>T, p.Arg2584Trp (NM_201383.3); short protein forms R2548W, R2558W, R2566W, R2580W, R2584W, R2607W, R2717W.
Identifiers: ClinVar variation 586341 (VCV000586341.17), dbSNP rs531396914, ClinGen allele CA4925530.